The following is an entry in ClinVar:

ClinVar aggregate classification (germline): Uncertain significance. Review status: criteria provided, multiple submitters, no conflicts (2 of 4 stars). 2 submissions from 2 submitters: Uncertain significance (2). Last evaluated 2023-06-02.

Conditions:
Generalized epilepsy with febrile seizures plus, type 7 (GEFSP7). Also called: GEFS+, TYPE 7. Identifiers: Orphanet 36387, MedGen C2751778, MONDO:0013470, OMIM 613863.
Neuropathy, hereditary sensory and autonomic, type 2A (HSAN2A). Also called: ACROOSTEOLYSIS, GIACCAI TYPE; ACROOSTEOLYSIS, NEUROGENIC; WNK1-Related HSAN2 (HSAN2A); MORVAN DISEASE; NEUROPATHY, CONGENITAL SENSORY; NEUROPATHY, HEREDITARY SENSORY RADICULAR, AUTOSOMAL RECESSIVE. Identifiers: Orphanet 970, MedGen C2752089, MONDO:0024309, OMIM 201300.

Allele frequency attached by ClinVar (database versions not stated): ExAC below 0.00001; gnomAD exomes below 0.00001; TOPMed below 0.00001.
gnomAD v4.1: 2 of 1,519,924 alleles (0.00013%); highest among the groups gnomAD compares: Non-Finnish European, 0.00009%; no homozygotes.

Submissions (2):

Labcorp Genetics (formerly Invitae), Labcorp
Classification: Uncertain significance for Neuropathy, hereditary sensory and autonomic, type 2A; Generalized epilepsy with febrile seizures plus, type 7. Last evaluated: 2023-06-02. Review status: criteria provided, single submitter. Criteria: Invitae Variant Classification Sherloc (09022015). Collection method: clinical testing. Allele origin: germline.
Comment: In summary, the available evidence is currently insufficient to determine the role of this variant in disease. Therefore, it has been classified as a Variant of Uncertain Significance. Variants that disrupt the consensus splice site are a relatively common cause of aberrant splicing (PMID: 17576681, 9536098). Algorithms developed to predict the effect of sequence changes on RNA splicing suggest that this variant may disrupt the consensus splice site. ClinVar contains an entry for this variant (Variation ID: 652920). This variant has not been reported in the literature in individuals affected with SCN9A-related conditions. This variant is not present in population databases (gnomAD no frequency). This sequence change falls in intron 17 of the SCN9A gene. It does not directly change the encoded amino acid sequence of the SCN9A protein. It affects a nucleotide within the consensus splice site.

Blueprint Genetics
Classification: Uncertain significance. Last evaluated: 2021-03-08. Review status: criteria provided, single submitter. Criteria: ACMG Guidelines, 2015. Collection method: clinical testing. Allele origin: germline.

Literature cited by the submitters: PubMed 17576681 (cited by Labcorp Genetics (formerly Invitae), Labcorp); PubMed 9536098 (cited by Labcorp Genetics (formerly Invitae), Labcorp).

NM_001365536.1(SCN9A):c.3351+5G>A

Genes: SCN1A-AS1 (SCN1A and SCN9A antisense RNA 1; plus strand), SCN9A (sodium voltage-gated channel alpha subunit 9; minus strand). Cytogenetic location: 2q24.3.
Variant type: single nucleotide variant.
Coding change: c.3351+5G>A on transcript NM_001365536.1 (MANE Select); 5 bases into the intron after coding-DNA position 3351, G replaced by A.
Molecular consequence: intron variant.
Genome position (GRCh38, 1-based): chr2:166,272,394, C>T on the plus strand (G>A on the coding strand, the complement: SCN9A is on the minus strand). VCF-style: chr2-166272394-C-T. GRCh37 (hg19) VCF-style: chr2-167128904-C-T.
Other names: c.3318+5G>A (NM_002977.4).
Identifiers: ClinVar variation 652920 (VCV000652920.8), dbSNP rs200211419, ClinGen allele CA1944090.